The following is an entry in ClinVar:

NM_000540.3(RYR1):c.10882C>A (p.Arg3628Ser)

Gene: RYR1 (ryanodine receptor 1; plus strand). Cytogenetic location: 19q13.2.
Variant type: single nucleotide variant.
Coding change: c.10882C>A on transcript NM_000540.3 (MANE Select); coding-DNA position 10882, C replaced by A.
Protein change: p.Arg3628Ser; replaces arginine 3628 with serine.
Molecular consequence: missense variant.
Genome position (GRCh38, 1-based): chr19:38,528,363, C>A. VCF-style: chr19-38528363-C-A. GRCh37 (hg19) VCF-style: chr19-39019003-C-A.
Other names: c.10867C>A, p.Arg3623Ser (NM_001042723.2); short protein forms R3628S, R3623S.
Identifiers: ClinVar variation 1045203 (VCV001045203.8), dbSNP rs1971573489, ClinGen allele CA405649486.

ClinVar aggregate classification (germline): Uncertain significance (1 of 4 stars; one submission).

Conditions:
RYR1-related disorder. Also called: RYR1-related condition; RYR1-related disorders. Identifiers: MedGen CN239331.

Submission:

Labcorp Genetics (formerly Invitae), Labcorp
Classification: Uncertain significance for RYR1-related disorder. Last evaluated: 2020-08-03. Review status: criteria provided, single submitter. Criteria: Invitae Variant Classification Sherloc (09022015). Collection method: clinical testing. Allele origin: germline.
Comment: In summary, the available evidence is currently insufficient to determine the role of this variant in disease. Therefore, it has been classified as a Variant of Uncertain Significance. Advanced modeling of protein sequence and biophysical properties (such as structural, functional, and spatial information, amino acid conservation, physicochemical variation, residue mobility, and thermodynamic stability) performed at Invitae indicates that this missense variant is expected to disrupt RYR1 protein function. This variant has not been reported in the literature in individuals with RYR1-related conditions. This variant is not present in population databases (ExAC no frequency). This sequence change replaces arginine with serine at codon 3628 of the RYR1 protein (p.Arg3628Ser). The arginine residue is highly conserved and there is a moderate physicochemical difference between arginine and serine.